The following is an entry in ClinVar:

ClinVar aggregate classification (germline): Uncertain significance (1 of 4 stars; one submission).

Conditions:
Cardiovascular phenotype. Identifiers: MedGen CN230736.

Allele frequency attached by ClinVar (database versions not stated): gnomAD exomes below 0.00001.
gnomAD v4.1: 1 of 1,614,168 alleles (0.000062%); highest among the groups gnomAD compares: Non-Finnish European, 0.000085%; no homozygotes.

Submission:

Ambry Genetics
Classification: Uncertain significance for Cardiovascular phenotype. Last evaluated: 2022-03-22. Review status: criteria provided, single submitter. Criteria: Ambry Variant Classification Scheme 2023. Collection method: clinical testing. Allele origin: germline.
Comment: The p.N200S variant (also known as c.599A>G), located in coding exon 3 of the CYP27A1 gene, results from an A to G substitution at nucleotide position 599. The asparagine at codon 200 is replaced by serine, an amino acid with highly similar properties. This amino acid position is conserved. In addition, this alteration is predicted to be tolerated by in silico analysis. Since supporting evidence is limited at this time, the clinical significance of this alteration remains unclear.

NM_000784.4(CYP27A1):c.599A>G (p.Asn200Ser)

Gene: CYP27A1 (cytochrome P450 family 27 subfamily A member 1; plus strand). Cytogenetic location: 2q35.
Variant type: single nucleotide variant.
Coding change: c.599A>G on transcript NM_000784.4 (MANE Select); coding-DNA position 599, A replaced by G.
Protein change: p.Asn200Ser; replaces asparagine 200 with serine.
Molecular consequence: missense variant.
Genome position (GRCh38, 1-based): chr2:218,812,374, A>G. VCF-style: chr2-218812374-A-G. GRCh37 (hg19) VCF-style: chr2-219677097-A-G.
Other names: short protein forms N200S.
Identifiers: ClinVar variation 1750930 (VCV001750930.2), dbSNP rs2470226643, ClinGen allele CA350585413.